The following is an entry in ClinVar:

NM_001148.6(ANK2):c.8035T>C (p.Ser2679Pro)

Gene: ANK2 (ankyrin 2; plus strand). Cytogenetic location: 4q26.
Variant type: single nucleotide variant.
Coding change: c.8035T>C on transcript NM_001148.6 (MANE Select); coding-DNA position 8035, T replaced by C.
Protein change: p.Ser2679Pro; replaces serine 2679 with proline.
Molecular consequence: missense variant. On other transcripts: intron variant (68).
Genome position (GRCh38, 1-based): chr4:113,356,653, T>C. VCF-style: chr4-113356653-T-C. GRCh37 (hg19) VCF-style: chr4-114277809-T-C.
Other names: c.1991-4170T>C (NM_001354282.2, NM_001354279.2); c.1976-4170T>C (NM_001354280.2); c.1955-4170T>C (NM_001354278.2, NM_001354281.2); c.827-4170T>C (NM_001386167.1); c.7801T>C, p.Ser2601Pro (NM_001386142.1); c.4435T>C, p.Ser1479Pro (NM_001386166.1); c.8176T>C, p.Ser2726Pro (NM_001386174.1); c.8152T>C, p.Ser2718Pro (NM_001386175.1); and 35 more; short protein forms S1479P, S2601P, S2679P, S2718P, S2726P.
Identifiers: ClinVar variation 1316070 (VCV001316070.2), dbSNP rs2154026052, ClinGen allele CA357932903.

ClinVar aggregate classification (germline): Uncertain significance (1 of 4 stars; one submission).

Submission:

GeneDx
Classification: Uncertain significance. Last evaluated: 2020-01-08. Review status: criteria provided, single submitter. Criteria: GeneDx Variant Classification Process June 2021. Collection method: clinical testing. Allele origin: germline. Affected: yes.
Comment: Has not been previously published as pathogenic or benign to our knowledge; Not observed in large population cohorts (Lek et al., 2016); In silico analysis, which includes protein predictors and evolutionary conservation, supports that this variant does not alter protein structure/function